The following is an entry in ClinVar:

ClinVar aggregate classification (germline): Uncertain significance. Review status: criteria provided, multiple submitters, no conflicts (2 of 4 stars). 2 submissions from 2 submitters: Uncertain significance (2). Last evaluated 2026-04-17.

Conditions:
Cardiovascular phenotype. Identifiers: MedGen CN230736.

Submissions (2):

Women's Health and Genetics/Laboratory Corporation of America, LabCorp
Classification: Uncertain significance. Last evaluated: 2026-04-17. Review status: criteria provided, single submitter. Criteria: LabCorp Variant Classification Summary - May 2015. Collection method: clinical testing. Allele origin: germline.

Ambry Genetics
Classification: Uncertain significance for Cardiovascular phenotype. Last evaluated: 2024-04-28. Review status: criteria provided, single submitter. Criteria: Ambry Variant Classification Scheme 2023. Collection method: clinical testing. Allele origin: germline.
Comment: The p.R248G variant (also known as c.742C>G), located in coding exon 6 of the SOS1 gene, results from a C to G substitution at nucleotide position 742. The arginine at codon 248 is replaced by glycine, an amino acid with dissimilar properties. This amino acid position is conserved. In addition, this alteration is predicted to be deleterious by in silico analysis. Based on the available evidence, the clinical significance of this variant remains unclear.

NM_005633.4(SOS1):c.742C>G (p.Arg248Gly)

Gene: SOS1 (SOS Ras/Rac guanine nucleotide exchange factor 1; minus strand). Cytogenetic location: 2p22.1.
Variant type: single nucleotide variant.
Coding change: c.742C>G on transcript NM_005633.4 (MANE Select); coding-DNA position 742, C replaced by G.
Protein change: p.Arg248Gly; replaces arginine 248 with glycine.
Molecular consequence: missense variant.
Genome position (GRCh38, 1-based): chr2:39,051,266, G>C on the plus strand (C>G on the coding strand, the complement: SOS1 is on the minus strand). VCF-style: chr2-39051266-G-C. GRCh37 (hg19) VCF-style: chr2-39278407-G-C.
Other names: c.721C>G, p.Arg241Gly (NM_001382394.1); c.742C>G, p.Arg248Gly (NM_001382395.1); short protein forms R241G, R248G.
Identifiers: ClinVar variation 3321542 (VCV003321542.2).